The following is an entry in ClinVar:

NM_000093.5(COL5A1):c.2430+1G>C

Gene: COL5A1 (collagen type V alpha 1 chain; plus strand). Cytogenetic location: 9q34.3.
Variant type: single nucleotide variant.
Coding change: c.2430+1G>C on transcript NM_000093.5 (MANE Select); the canonical splice donor site of the intron after coding-DNA position 2430, G replaced by C.
Molecular consequence: splice donor variant.
Genome position (GRCh38, 1-based): chr9:134,780,147, G>C. VCF-style: chr9-134780147-G-C. GRCh37 (hg19) VCF-style: chr9-137671993-G-C.
Other names: c.2430+1G>C (NM_001278074.1).
Identifiers: ClinVar variation 2024299 (VCV002024299.6), dbSNP rs1060502248, ClinGen allele CA375453422.

ClinVar aggregate classification (germline): Pathogenic. Review status: criteria provided, multiple submitters, no conflicts (2 of 4 stars). 2 submissions from 2 submitters: Pathogenic (2). Last evaluated 2023-03-27.

Conditions:
Ehlers-Danlos syndrome, classic type, 1 (EDSCL1). Also called: EHLERS-DANLOS SYNDROME, GRAVIS TYPE; EHLERS-DANLOS SYNDROME, SEVERE CLASSIC TYPE; Ehlers-Danlos syndrome, type 1; EDS I; Ehlers-Danlos Syndrome, Classic Type, COL5A1-Related. Identifiers: MedGen C0268335, MONDO:0019567, OMIM 130000.

Submissions (2):

Center for Human Genetics and Genomic Medicine, Uniklinik Rwth Aachen
Classification: Pathogenic for Ehlers-Danlos syndrome, classic type, 1. Last evaluated: 2023-03-27. Review status: criteria provided, single submitter. Criteria: ACMG Guidelines, 2015. Collection method: clinical testing. Allele origin: unknown. Inheritance: Autosomal dominant inheritance. Affected: yes. Observed: 1 heterozygote.
Comment: The variant is not listed in gnomAD. It has not yet been described in the literature or in the ClinVar database. However, another base pair exchange (c.2430+1G>A, rs1060502248) is already deposited as pathogenic in ClinVar at the same location. Bioinformatically, various prediction programs (SSF, MaxEnt, GeneSplicer) predict a likely effect on the splice donor site for the variant. Variants affecting the canonical splice site of a gene matching the phenotype and inheritance, where "loss of function" alterations are a known pathomechanism, are very likely to have pathogenetic relevance. At this stage, the variant has been classified as "pathogenic".

Labcorp Genetics (formerly Invitae), Labcorp
Classification: Pathogenic for Ehlers-Danlos syndrome, classic type, 1. Last evaluated: 2022-08-16. Review status: criteria provided, single submitter. Criteria: Invitae Variant Classification Sherloc (09022015). Collection method: clinical testing. Allele origin: germline.
Comment: This sequence change affects a donor splice site in intron 28 of the COL5A1 gene. RNA analysis indicates that disruption of this splice site induces altered splicing and may result in an absent or disrupted protein product. For these reasons, this variant has been classified as Pathogenic. Studies have shown that disruption of this splice site results in inclusion of part of intron 28 and introduces a premature termination codon (PMID: 10777716). The resulting mRNA is expected to undergo nonsense-mediated decay. Disruption of this splice site has been observed in individuals with Ehlers-Danlos syndrome (PMID: 10777716, 22696272). It has also been observed to segregate with disease in related individuals. This variant is not present in population databases (gnomAD no frequency).

Literature cited by the submitters: PubMed 10777716 (cited by Labcorp Genetics (formerly Invitae), Labcorp); PubMed 22696272 (cited by Labcorp Genetics (formerly Invitae), Labcorp).